The following is an entry in ClinVar:

NM_018486.3(HDAC8):c.951C>A (p.Tyr317Ter)

Gene: HDAC8 (histone deacetylase 8; minus strand). Cytogenetic location: Xq13.1.
Variant type: single nucleotide variant.
Coding change: c.951C>A on transcript NM_018486.3 (MANE Select); coding-DNA position 951, C replaced by A.
Protein change: p.Tyr317Ter; replaces tyrosine 317 with a stop codon.
Molecular consequence: nonsense. On other transcripts: non-coding transcript variant (1).
Genome position (GRCh38, 1-based): chrX:72,462,058, G>T on the plus strand (C>A on the coding strand, the complement: HDAC8 is on the minus strand). VCF-style: chrX-72462058-G-T. GRCh37 (hg19) VCF-style: chrX-71681908-G-T.
Other names: c.678C>A, p.Tyr226Ter (NM_001166418.2); short protein forms Y317*, Y226*.
Identifiers: ClinVar variation 523882 (VCV000523882.2), dbSNP rs1555991936, ClinGen allele CA413642196.

ClinVar aggregate classification (germline): Pathogenic (1 of 4 stars; one submission).

Submission:

GeneDx
Classification: Pathogenic. Last evaluated: 2018-04-23. Review status: criteria provided, single submitter. Criteria: GeneDx Variant Classification (06012015). Collection method: clinical testing. Allele origin: germline. Affected: yes.
Comment: The Y317X variant in the HDAC8 gene has not been reported previously as a pathogenic variant nor as a benign variant, to our knowledge. This variant is predicted to cause loss of normal protein function either through protein truncation or nonsense-mediated mRNA decay. The Y317X variant is not observed in large population cohorts (Lek et al., 2016). We interpret Y317X as a pathogenic variant.